The following is an entry in ClinVar:

NM_004360.5(CDH1):c.2097G>T (p.Gln699His)

Gene: CDH1 (cadherin 1; plus strand). Cytogenetic location: 16q22.1.
Variant type: single nucleotide variant.
Coding change: c.2097G>T on transcript NM_004360.5 (MANE Select); coding-DNA position 2097, G replaced by T.
Protein change: p.Gln699His; replaces glutamine 699 with histidine.
Molecular consequence: missense variant.
Genome position (GRCh38, 1-based): chr16:68,823,559, G>T. VCF-style: chr16-68823559-G-T. GRCh37 (hg19) VCF-style: chr16-68857462-G-T.
Other names: c.1914G>T, p.Gln638His (NM_001317184.2); c.549G>T, p.Gln183His (NM_001317185.2); c.132G>T, p.Gln44His (NM_001317186.2); short protein forms Q183H, Q44H, Q699H, Q638H.
Identifiers: ClinVar variation 1384151 (VCV001384151.6), dbSNP rs2152139545, ClinGen allele CA396467845.

ClinVar aggregate classification (germline): Uncertain significance (1 of 4 stars; one submission).

Conditions:
Hereditary diffuse gastric adenocarcinoma (HDGC). Also called: DIFFUSE GASTRIC AND LOBULAR BREAST CANCER SYNDROME. Identifiers: Orphanet 26106, MedGen C1708349, MONDO:0007648, OMIM 137215.

Submission:

Labcorp Genetics (formerly Invitae), Labcorp
Classification: Uncertain significance for Hereditary diffuse gastric adenocarcinoma. Last evaluated: 2021-08-19. Review status: criteria provided, single submitter. Criteria: Invitae Variant Classification Sherloc (09022015). Collection method: clinical testing. Allele origin: germline.
Comment: In summary, the available evidence is currently insufficient to determine the role of this variant in disease. Therefore, it has been classified as a Variant of Uncertain Significance. Algorithms developed to predict the effect of missense changes on protein structure and function (SIFT, PolyPhen-2, Align-GVGD) all suggest that this variant is likely to be tolerated. This variant has not been reported in the literature in individuals affected with CDH1-related conditions. This variant is not present in population databases (ExAC no frequency). This sequence change replaces glutamine with histidine at codon 699 of the CDH1 protein (p.Gln699His). The glutamine residue is weakly conserved and there is a small physicochemical difference between glutamine and histidine.